The following is an entry in ClinVar:

ClinVar aggregate classification (germline): Uncertain significance (1 of 4 stars; one submission).

Allele frequency attached by ClinVar (database versions not stated): gnomAD exomes 0.00001.
gnomAD v4.1: 4 of 1,613,954 alleles (0.00025%); highest among the groups gnomAD compares: Admixed American, 0.0067%; no homozygotes.

Submission:

Labcorp Genetics (formerly Invitae), Labcorp
Classification: Uncertain significance. Last evaluated: 2022-07-05. Review status: criteria provided, single submitter. Criteria: Invitae Variant Classification Sherloc (09022015). Collection method: clinical testing. Allele origin: germline.
Comment: In summary, the available evidence is currently insufficient to determine the role of this variant in disease. Therefore, it has been classified as a Variant of Uncertain Significance. Algorithms developed to predict the effect of missense changes on protein structure and function are either unavailable or do not agree on the potential impact of this missense change (SIFT: "Tolerated"; PolyPhen-2: "Possibly Damaging"; Align-GVGD: "Class C0"). ClinVar contains an entry for this variant (Variation ID: 1487234). This variant has not been reported in the literature in individuals affected with C6-related conditions. This variant is present in population databases (no rsID available, gnomAD 0.009%). This sequence change replaces serine, which is neutral and polar, with asparagine, which is neutral and polar, at codon 545 of the C6 protein (p.Ser545Asn).

NM_000065.5(C6):c.1634G>A (p.Ser545Asn)

Gene: C6 (complement C6; minus strand). Cytogenetic location: 5p13.1.
Variant type: single nucleotide variant.
Coding change: c.1634G>A on transcript NM_000065.5 (MANE Select); coding-DNA position 1634, G replaced by A.
Protein change: p.Ser545Asn; replaces serine 545 with asparagine.
Molecular consequence: missense variant.
Genome position (GRCh38, 1-based): chr5:41,160,192, C>T on the plus strand (G>A on the coding strand, the complement: C6 is on the minus strand). VCF-style: chr5-41160192-C-T. GRCh37 (hg19) VCF-style: chr5-41160294-C-T.
Other names: c.1634G>A, p.Ser545Asn (NM_001115131.4); short protein forms S545N.
Identifiers: ClinVar variation 1487234 (VCV001487234.6), dbSNP rs1268120566, ClinGen allele CA359597702.
Genomic context (GRCh38, chr5:41,160,192, plus strand): 5'-TGATACTTACTGGATTTATAATCTGGAGACTGTTTCTCACAGTTCTCACCATAGGTGCCA[C>T]TCTGACACACACACAGACATTCAGTCCCTGAGAGGGTGGGTCGGCCATTATTAGGGCATG-3'
Protein context (NP_000056.2, residues 535-555): SGTECLCVCQ[Ser545Asn]GTYGENCEKQ